The following is an entry in ClinVar:

NM_001399.5(EDA):c.1127A>G (p.His376Arg)

Gene: EDA (ectodysplasin A; plus strand). Cytogenetic location: Xq13.1.
Variant type: single nucleotide variant.
Coding change: c.1127A>G on transcript NM_001399.5 (MANE Select); coding-DNA position 1127, A replaced by G.
Protein change: p.His376Arg; replaces histidine 376 with arginine.
Molecular consequence: missense variant.
Genome position (GRCh38, 1-based): chrX:70,035,560, A>G. VCF-style: chrX-70035560-A-G. GRCh37 (hg19) VCF-style: chrX-69255410-A-G.
Other names: c.1121A>G, p.His374Arg (NM_001005609.2); c.1112A>G, p.His371Arg (NM_001005612.3); short protein forms H376R, H371R, H374R.
Identifiers: ClinVar variation 505223 (VCV000505223.4), dbSNP rs1556111035, ClinGen allele CA413450399.
Genomic context (GRCh38, chrX:70,035,560, plus strand): 5'-CCCGGCAGAAGATCGCCGTCAAGATGGTGCACGCTGACATCTCCATCAACATGAGCAAGC[A>G]CACCACGTTCTTTGGGGCCATCAGGCTGGGTGAAGCCCCTGCATCCTAGATTCCCCCCAT-3'
Protein context (NP_001390.1, residues 366-386): HADISINMSK[His376Arg]TTFFGAIRLG

ClinVar aggregate classification (germline): Uncertain significance (1 of 4 stars; one submission).

Submission:

Laboratory for Molecular Medicine, Mass General Brigham Personalized Medicine
Classification: Uncertain significance. Last evaluated: 2016-07-18. Review status: criteria provided, single submitter. Criteria: LMM Criteria. Collection method: clinical testing. Allele origin: germline. Observed: 1 variant allele.
Comment: Variant classified as Uncertain Significance - Favor Pathogenic. The p.His376Arg variant in EDA has not been previously reported in individuals with hypohidroti c ectodermal dysplasia (HED) and was absent from large population studies. Comp utational prediction tools and conservation analyses suggest that this variant m ay impact the protein, though this information is not predictive enough to deter mine pathogenicity. In summary, while there is some suspicion for a pathogenic r ole, the clinical significance of this variant is uncertain.